The following is an entry in ClinVar:

NM_017780.4(CHD7):c.7958G>A (p.Arg2653Gln)

Gene: CHD7 (chromodomain helicase DNA binding protein 7; plus strand). Cytogenetic location: 8q12.2.
Variant type: single nucleotide variant.
Coding change: c.7958G>A on transcript NM_017780.4 (MANE Select); coding-DNA position 7958, G replaced by A.
Protein change: p.Arg2653Gln; replaces arginine 2653 with glutamine.
Molecular consequence: missense variant.
Genome position (GRCh38, 1-based): chr8:60,862,323, G>A. VCF-style: chr8-60862323-G-A. GRCh37 (hg19) VCF-style: chr8-61774882-G-A.
Other names: c.1811G>A, p.Arg604Gln (NM_001316690.1); short protein forms R604Q, R2653Q.
Identifiers: ClinVar variation 930629 (VCV000930629.5), dbSNP rs747082615, ClinGen allele CA4760919.

ClinVar aggregate classification (germline): Conflicting classifications of pathogenicity. Review status: criteria provided, conflicting classifications (1 of 4 stars). 2 submissions from 2 submitters: Uncertain significance (1); Likely benign (1). Last evaluated 2024-02-14.

Conditions:
CHARGE syndrome (CHARGE). Also called: Hittner Hirsch Kreh syndrome; Coloboma, heart anomaly, choanal atresia, retardation, genital and ear anomalies; CHARGE association; Hall-Hittner syndrome; CHARGE ASSOCIATION--COLOBOMA, HEART ANOMALY, CHOANAL ATRESIA, RETARDATION, GENITAL AND EAR ANOMALIES. Identifiers: Orphanet 138, MedGen C0265354, MONDO:0008965.

Allele frequency attached by ClinVar (database versions not stated): gnomAD 0.00001; gnomAD exomes 0.00001 and 0.00002; ExAC 0.00004.
gnomAD v4.1: 17 of 1,602,752 alleles (0.0011%); highest among the groups gnomAD compares: Admixed American, 0.0035%; no homozygotes.

Submissions (2):

Labcorp Genetics (formerly Invitae), Labcorp
Classification: Likely benign for CHARGE syndrome. Last evaluated: 2024-02-14. Review status: criteria provided, single submitter. Criteria: Invitae Variant Classification Sherloc (09022015). Collection method: clinical testing. Allele origin: germline.

Centre for Mendelian Genomics, University Medical Centre Ljubljana
Classification: Uncertain significance for CHD7-related CHARGE syndrome. Last evaluated: 2019-10-10. Review status: criteria provided, single submitter. Criteria: ACMG Guidelines, 2015. Collection method: clinical testing. Allele origin: unknown. Affected: yes.
Comment: This variant was classified as: Uncertain significance. The available evidence on this variant's pathogenicity is insufficient or conflicting. The following ACMG criteria were applied in classifying this variant: No criteria apply.